The following is an entry in ClinVar:

NM_001563.4(IMPG1):c.1343C>T (p.Pro448Leu)

Gene: IMPG1 (interphotoreceptor matrix proteoglycan 1; minus strand). Cytogenetic location: 6q14.1.
Variant type: single nucleotide variant.
Coding change: c.1343C>T on transcript NM_001563.4 (MANE Select); coding-DNA position 1343, C replaced by T.
Protein change: p.Pro448Leu; replaces proline 448 with leucine.
Molecular consequence: missense variant.
Genome position (GRCh38, 1-based): chr6:75,951,043, G>A on the plus strand (C>T on the coding strand, the complement: IMPG1 is on the minus strand). VCF-style: chr6-75951043-G-A. GRCh37 (hg19) VCF-style: chr6-76660760-G-A.
Other names: c.1109C>T, p.Pro370Leu (NM_001282368.2); c.1343C>T (NM_001563.2); short protein forms P448L, P370L.
Identifiers: ClinVar variation 955452 (VCV000955452.8), dbSNP rs375185954, ClinGen allele CA3898133.
Genomic context (GRCh38, chr6:75,951,043, plus strand): 5'-ATTGTATCTGTGGTGCCTTGATCAGTCAGAGAGAAGATGCTTGATGCCATAAAGAAAGGT[G>A]GAGCTTCTGACAGGGAGGTAGAGGCCATAGCAGGTGGAGACCAAGAAGTGTCTGTGGAGG-3'
Protein context (NP_001554.2, residues 438-458): AMASTSLSEA[Pro448Leu]PFFMASSIFS

ClinVar aggregate classification (germline): Conflicting classifications of pathogenicity. Review status: criteria provided, conflicting classifications (1 of 4 stars). 2 submissions from 2 submitters: Uncertain significance (1); Likely benign (1). Last evaluated 2025-10-06.

Allele frequency attached by ClinVar (database versions not stated): ExAC 0.00002; gnomAD 0.00002; TOPMed 0.00003; gnomAD exomes 0.00004 and 0.00006; ESP Exome Variant Server 0.00008.
gnomAD v4.1: 61 of 1,613,588 alleles (0.0038%); highest among the groups gnomAD compares: Admixed American, 0.0067%; no homozygotes.

Submissions (2):

Labcorp Genetics (formerly Invitae), Labcorp
Classification: Uncertain significance. Last evaluated: 2025-10-06. Review status: criteria provided, single submitter. Criteria: Invitae Variant Classification Sherloc (09022015). Collection method: clinical testing. Allele origin: germline.
Comment: This sequence change replaces proline, which is neutral and non-polar, with leucine, which is neutral and non-polar, at codon 448 of the IMPG1 protein (p.Pro448Leu). This variant is present in population databases (rs375185954, gnomAD 0.009%). This variant has not been reported in the literature in individuals affected with IMPG1-related conditions. ClinVar contains an entry for this variant (Variation ID: 955452). An algorithm developed to predict the effect of missense changes on protein structure and function outputs the following: PolyPhen-2: "Benign". The leucine amino acid residue is found in multiple mammalian species, which suggests that this missense change does not adversely affect protein function. In summary, the available evidence is currently insufficient to determine the role of this variant in disease. Therefore, it has been classified as a Variant of Uncertain Significance.

Ambry Genetics
Classification: Likely benign. Last evaluated: 2025-02-14. Review status: criteria provided, single submitter. Criteria: Ambry Variant Classification Scheme 2023. Collection method: clinical testing. Allele origin: germline.